The following is an entry in ClinVar:

NM_014363.6(SACS):c.4846A>C (p.Asn1616His)

Gene: SACS (sacsin molecular chaperone; minus strand). Cytogenetic location: 13q12.12.
Variant type: single nucleotide variant.
Coding change: c.4846A>C on transcript NM_014363.6 (MANE Select); coding-DNA position 4846, A replaced by C.
Protein change: p.Asn1616His; replaces asparagine 1616 with histidine.
Molecular consequence: missense variant.
Genome position (GRCh38, 1-based): chr13:23,339,030, T>G on the plus strand (A>C on the coding strand, the complement: SACS is on the minus strand). VCF-style: chr13-23339030-T-G. GRCh37 (hg19) VCF-style: chr13-23913169-T-G.
Other names: c.4405A>C, p.Asn1469His (NM_001278055.2); short protein forms N1469H, N1616H.
Identifiers: ClinVar variation 1256215 (VCV001256215.3), dbSNP rs979327782, ClinGen allele CA387527318.

ClinVar aggregate classification (germline): Uncertain significance. Review status: criteria provided, single submitter (1 of 4 stars). 2 submissions from 2 submitters: Uncertain significance (1). 1 of the submissions does not count toward it. Last evaluated 2022-10-07.

Conditions:
Charlevoix-Saguenay spastic ataxia (SACS). Also called: AUTOSOMAL RECESSIVE SPASTIC ATAXIA OF CHARLEVOIX-SAGUENAY; Spastic ataxia of Charlevoix-Saguenay; SPASTIC ATAXIA 6, AUTOSOMAL RECESSIVE. Identifiers: Orphanet 98, MedGen C1849140, MONDO:0010041, OMIM 270550.

Allele frequency attached by ClinVar (database versions not stated): TOPMed 0.00003; gnomAD 0.00001; gnomAD exomes below 0.00001.
gnomAD v4.1: 23 of 1,613,570 alleles (0.0014%); highest among the groups gnomAD compares: Admixed American, 0.0017%; no homozygotes.

Submissions (2):

Athena Diagnostics
Classification: Uncertain significance. Last evaluated: 2022-10-07. Review status: criteria provided, single submitter. Criteria: Athena Diagnostics Criteria. Collection method: clinical testing. Allele origin: unknown.
Comment: Available data are insufficient to determine the clinical significance of the variant at this time. The frequency of this variant in the general population is uninformative in assessment of its pathogenicity. Computational tools disagree on the variant's effect on normal protein function.

Natera, Inc.
Classification: Uncertain significance for Charlevoix-Saguenay type spastic ataxia. Last evaluated: 2021-10-08. Review status: no assertion criteria provided. Collection method: clinical testing. Allele origin: germline. Not counted in ClinVar's aggregate classification.